The following is an entry in ClinVar:

NM_001271.4(CHD2):c.628G>T (p.Glu210Ter)

Gene: CHD2 (chromodomain helicase DNA binding protein 2; plus strand). Cytogenetic location: 15q26.1.
Variant type: single nucleotide variant.
Coding change: c.628G>T on transcript NM_001271.4 (MANE Select); coding-DNA position 628, G replaced by T.
Protein change: p.Glu210Ter; replaces glutamic acid 210 with a stop codon.
Molecular consequence: nonsense.
Genome position (GRCh38, 1-based): chr15:92,939,654, G>T. VCF-style: chr15-92939654-G-T. GRCh37 (hg19) VCF-style: chr15-93482884-G-T.
Other names: c.628G>T, p.Glu210Ter (NM_001042572.3); short protein forms E210*.
Identifiers: ClinVar variation 560974 (VCV000560974.4), dbSNP rs1567133726, ClinGen allele CA393900137.

ClinVar aggregate classification (germline): Pathogenic. Review status: criteria provided, single submitter (1 of 4 stars). 2 submissions from 2 submitters: Pathogenic (1). 1 of the submissions does not count toward it. Last evaluated 2017-09-01.

Conditions:
Developmental and epileptic encephalopathy 94 (DEE94). Also called: Epileptic encephalopathy, childhood-onset; CHD2-Related Neurodevelopmental Disorders. Identifiers: Orphanet 1942, Orphanet 2382, MedGen C3809278, MONDO:0014150, OMIM 615369.

Submissions (2):

Baylor Genetics
Classification: Pathogenic for Developmental and epileptic encephalopathy 94. Last evaluated: 2017-09-01. Review status: criteria provided, single submitter. Criteria: ACMG Guidelines, 2015. Collection method: clinical testing. Allele origin: maternal. Inheritance: Autosomal dominant inheritance. Affected: yes.
Comment: This nonsense mutation is categorized as deleterious according to ACMG guidelines (PMID:18414213).

OMIM
Classification: Pathogenic for DEVELOPMENTAL AND EPILEPTIC ENCEPHALOPATHY 94. Last evaluated: 2021-04-14. Review status: no assertion criteria provided. Collection method: literature only. Allele origin: germline. Not counted in ClinVar's aggregate classification.

Literature cited by the submitters: PubMed 25326635 (cited by Baylor Genetics); PubMed 29740950 (cited by OMIM).